The following is an entry in ClinVar:

NM_001001331.4(ATP2B2):c.286C>T (p.Leu96=)

Gene: ATP2B2 (ATPase plasma membrane Ca2+ transporting 2; minus strand). Cytogenetic location: 3p25.3.
Variant type: single nucleotide variant.
Coding change: c.286C>T on transcript NM_001001331.4 (MANE Select); coding-DNA position 286, C replaced by T.
Protein change: p.Leu96=; no amino-acid change (leucine 96 retained).
Molecular consequence: synonymous variant.
Genome position (GRCh38, 1-based): chr3:10,410,729, G>A on the plus strand (C>T on the coding strand, the complement: ATP2B2 is on the minus strand). VCF-style: chr3-10410729-G-A. GRCh37 (hg19) VCF-style: chr3-10452413-G-A.
Other names: c.286C>T, p.Leu96= (NM_001353564.1, NM_001363862.1, NM_001438036.1 and 3 more transcripts).
Identifiers: ClinVar variation 4875084 (VCV004875084.2).

ClinVar aggregate classification (germline): Likely benign (1 of 4 stars; one submission).

Submission:

CeGaT Center for Human Genetics Tuebingen
Classification: Likely benign. Last evaluated: 2026-06-01. Review status: criteria provided, single submitter. Criteria: CeGaT Center For Human Genetics Tuebingen Variant Classification Criteria Version 2. Collection method: clinical testing. Allele origin: germline. Affected: yes. Observed: 1 variant allele.
Comment: ATP2B2: BP4, BP7